The following is an entry in ClinVar:

NM_001128840.3(CACNA1D):c.2752-10T>C

Gene: CACNA1D (calcium voltage-gated channel subunit alpha1 D; plus strand). Cytogenetic location: 3p21.1.
Variant type: single nucleotide variant.
Coding change: c.2752-10T>C on transcript NM_001128840.3 (MANE Select); 10 bases into the intron before coding-DNA position 2752, T replaced by C.
Molecular consequence: intron variant.
Genome position (GRCh38, 1-based): chr3:53,740,270, T>C. VCF-style: chr3-53740270-T-C. GRCh37 (hg19) VCF-style: chr3-53774297-T-C.
Other names: c.2752-10T>C (NM_001128839.3); c.2812-10T>C (NM_000720.4).
Identifiers: ClinVar variation 4076749 (VCV004076749.1).

ClinVar aggregate classification (germline): Uncertain significance (1 of 4 stars; one submission).

Submission:

GeneDx
Classification: Uncertain significance. Last evaluated: 2025-02-24. Review status: criteria provided, single submitter. Criteria: GeneDx Variant Classification Process June 2021. Collection method: clinical testing. Allele origin: germline. Affected: yes.
Comment: Not observed at significant frequency in large population cohorts (gnomAD); Has not been previously published as pathogenic or benign to our knowledge; In silico analysis is inconclusive as to whether the variant alters gene splicing. In the absence of RNA/functional studies, the actual effect of this sequence change is unknown.